The following is an entry in ClinVar:

ClinVar aggregate classification (germline): Uncertain significance (1 of 4 stars; one submission).

Allele frequency attached by ClinVar (database versions not stated): gnomAD exomes below 0.00001; ExAC 0.00002; gnomAD 0.00004; TOPMed 0.00005.
gnomAD v4.1: 8 of 1,613,796 alleles (0.0005%); highest among the groups gnomAD compares: African/African-American, 0.011%; no homozygotes.

Submission:

Labcorp Genetics (formerly Invitae), Labcorp
Classification: Uncertain significance. Last evaluated: 2024-03-25. Review status: criteria provided, single submitter. Criteria: Invitae Variant Classification Sherloc (09022015). Collection method: clinical testing. Allele origin: germline.
Comment: This sequence change replaces histidine, which is basic and polar, with tyrosine, which is neutral and polar, at codon 468 of the ATP6V1A protein (p.His468Tyr). This variant is present in population databases (rs773015271, gnomAD 0.02%). This variant has not been reported in the literature in individuals affected with ATP6V1A-related conditions. Advanced modeling of protein sequence and biophysical properties (such as structural, functional, and spatial information, amino acid conservation, physicochemical variation, residue mobility, and thermodynamic stability) performed at Invitae indicates that this missense variant is not expected to disrupt ATP6V1A protein function with a negative predictive value of 80%. In summary, the available evidence is currently insufficient to determine the role of this variant in disease. Therefore, it has been classified as a Variant of Uncertain Significance.

NM_001690.4(ATP6V1A):c.1402C>T (p.His468Tyr)

Gene: ATP6V1A (ATPase H+ transporting V1 subunit A; plus strand). Cytogenetic location: 3q13.31.
Variant type: single nucleotide variant.
Coding change: c.1402C>T on transcript NM_001690.4 (MANE Select); coding-DNA position 1402, C replaced by T.
Protein change: p.His468Tyr; replaces histidine 468 with tyrosine.
Molecular consequence: missense variant.
Genome position (GRCh38, 1-based): chr3:113,798,354, C>T. VCF-style: chr3-113798354-C-T. GRCh37 (hg19) VCF-style: chr3-113517201-C-T.
Other names: short protein forms H468Y.
Identifiers: ClinVar variation 2958968 (VCV002958968.3), dbSNP rs773015271, ClinGen allele CA2548045.